The following is an entry in ClinVar:

ClinVar aggregate classification (germline): Uncertain significance (1 of 4 stars; one submission).

Conditions:
Intellectual disability and myopathy syndrome (IDMYS). Identifiers: MedGen C5676904, MONDO:0859224, OMIM 619719.
Atrial fibrillation, familial, 12 (ATFB12). Identifiers: MedGen C3279695, MONDO:0013545, OMIM 614050.
Dilated cardiomyopathy 1O (CMD1O). Also called: CARDIOMYOPATHY, DILATED, WITH VENTRICULAR TACHYCARDIA. Identifiers: Orphanet 154, MedGen C1837839, MONDO:0012062, OMIM 608569.
Hypertrichotic osteochondrodysplasia Cantu type. Also called: Cantú Syndrome; Cantu Syndrome. Identifiers: Orphanet 1517, MedGen C0795905, MONDO:0009406, OMIM 239850.

Submission:

Juno Genomics, Hangzhou Juno Genomics, Inc
Classification: Uncertain significance for Atrial fibrillation, familial, 12; Dilated cardiomyopathy 1O; Hypertrichotic osteochondrodysplasia Cantu type; Intellectual disability and myopathy syndrome. Review status: criteria provided, single submitter. Criteria: ACMG Guidelines, 2015. Collection method: clinical testing. Allele origin: germline.
Comment: Missense variant in a gene that has a low rate of benign missense variation.;Multiple lines of computational evidence support a deleterious effect on the gene or gene product.;Absent from controls (or at extremely low frequency if recessive) in Genome Aggregation Database.

NM_020297.4(ABCC9):c.2832A>T (p.Arg944Ser)

Gene: ABCC9 (ATP binding cassette subfamily C member 9; minus strand). Cytogenetic location: 12p12.1.
Variant type: single nucleotide variant.
Coding change: c.2832A>T on transcript NM_020297.4 (MANE Select); coding-DNA position 2832, A replaced by T.
Protein change: p.Arg944Ser; replaces arginine 944 with serine.
Molecular consequence: missense variant.
Genome position (GRCh38, 1-based): chr12:21,848,184, T>A on the plus strand (A>T on the coding strand, the complement: ABCC9 is on the minus strand). VCF-style: chr12-21848184-T-A. GRCh37 (hg19) VCF-style: chr12-22001118-T-A.
Other names: c.2832A>T, p.Arg944Ser (NM_001377273.1, NM_005691.4); c.1965A>T, p.Arg655Ser (NM_001377274.1); short protein forms R944S, R655S.
Identifiers: ClinVar variation 5005074 (VCV005005074.2).